The following is an entry in ClinVar:

ClinVar aggregate classification (germline): Uncertain significance (1 of 4 stars; one submission).

Conditions:
Bloom syndrome (BLM). Also called: Bloom-Torre-Machacek syndrome. Identifiers: Orphanet 125, MedGen C0005859, MONDO:0008876, OMIM 210900.

Submission:

Labcorp Genetics (formerly Invitae), Labcorp
Classification: Uncertain significance for Bloom syndrome. Last evaluated: 2025-10-07. Review status: criteria provided, single submitter. Criteria: Invitae Variant Classification Sherloc (09022015). Collection method: clinical testing. Allele origin: germline.
Comment: This sequence change replaces proline, which is neutral and non-polar, with threonine, which is neutral and polar, at codon 1404 of the BLM protein (p.Pro1404Thr). This variant is not present in population databases (gnomAD no frequency). This variant has not been reported in the literature in individuals affected with BLM-related conditions. An algorithm developed to predict the effect of missense changes on protein structure and function (PolyPhen-2) suggests that this variant is likely to be disruptive. In summary, the available evidence is currently insufficient to determine the role of this variant in disease. Therefore, it has been classified as a Variant of Uncertain Significance.

NM_000057.4(BLM):c.4210C>A (p.Pro1404Thr)

Gene: BLM (BLM RecQ like helicase; plus strand). Cytogenetic location: 15q26.1.
Variant type: single nucleotide variant.
Coding change: c.4210C>A on transcript NM_000057.4 (MANE Select); coding-DNA position 4210, C replaced by A.
Protein change: p.Pro1404Thr; replaces proline 1404 with threonine.
Molecular consequence: missense variant.
Genome position (GRCh38, 1-based): chr15:90,815,235, C>A. VCF-style: chr15-90815235-C-A. GRCh37 (hg19) VCF-style: chr15-91358465-C-A.
Other names: c.4210C>A, p.Pro1404Thr (NM_001287246.2); c.3817C>A, p.Pro1273Thr (NM_001287247.2); c.3085C>A, p.Pro1029Thr (NM_001287248.2); short protein forms P1404T, P1273T, P1029T.
Identifiers: ClinVar variation 4728646 (VCV004728646.1).